The following is an entry in ClinVar:

NM_001166114.2(PNPLA6):c.3503G>A (p.Trp1168Ter)

Gene: PNPLA6 (patatin like domain 6, lysophospholipase; plus strand). Cytogenetic location: 19p13.2.
Variant type: single nucleotide variant.
Coding change: c.3503G>A on transcript NM_001166114.2 (MANE Select); coding-DNA position 3503, G replaced by A.
Protein change: p.Trp1168Ter; replaces tryptophan 1168 with a stop codon.
Molecular consequence: nonsense.
Genome position (GRCh38, 1-based): chr19:7,558,955, G>A. VCF-style: chr19-7558955-G-A. GRCh37 (hg19) VCF-style: chr19-7623841-G-A.
Other names: c.3533G>A, p.Trp1178Ter (NM_001166111.2); c.3308G>A, p.Trp1103Ter (NM_001166112.2); c.3389G>A, p.Trp1130Ter (NM_001166113.1, NM_006702.5); short protein forms W1130*, W1103*, W1168*, W1178*.
Identifiers: ClinVar variation 469619 (VCV000469619.6), dbSNP rs1555751597, ClinGen allele CA403134838.

ClinVar aggregate classification (germline): Pathogenic (1 of 4 stars; one submission).

Conditions:
Hereditary spastic paraplegia 39 (SPG39). Also called: SPASTIC PARAPLEGIA 39, AUTOSOMAL RECESSIVE; Spastic Paraplegia Type 39 (SPG39). Identifiers: Orphanet 139480, MedGen C2677586, MONDO:0012787, OMIM 612020.

Submission:

Labcorp Genetics (formerly Invitae), Labcorp
Classification: Pathogenic for Hereditary spastic paraplegia 39. Last evaluated: 2020-03-04. Review status: criteria provided, single submitter. Criteria: Invitae Variant Classification Sherloc (09022015). Collection method: clinical testing. Allele origin: germline.
Comment: Loss-of-function variants in PNPLA6 are known to be pathogenic (PMID: 24355708). For these reasons, this variant has been classified as Pathogenic. This variant has not been reported in the literature in individuals with PNPLA6-related disease. ClinVar contains an entry for this variant (Variation ID: 469619). This variant is not present in population databases (ExAC no frequency). This sequence change creates a premature translational stop signal (p.Trp1130*) in the PNPLA6 gene. It is expected to result in an absent or disrupted protein product.

Literature cited by the submitters: PubMed 24355708.